The following is an entry in ClinVar:

ClinVar aggregate classification (germline): Uncertain significance (1 of 4 stars; one submission).

Conditions:
Dystonic disorder. Also called: Dystonia. Identifiers: MedGen C0013421, MONDO:0003441, HP:0001332.

Submission:

Labcorp Genetics (formerly Invitae), Labcorp
Classification: Uncertain significance for Dystonic disorder. Last evaluated: 2023-07-24. Review status: criteria provided, single submitter. Criteria: Invitae Variant Classification Sherloc (09022015). Collection method: clinical testing. Allele origin: germline.
Comment: This sequence change replaces isoleucine, which is neutral and non-polar, with valine, which is neutral and non-polar, at codon 698 of the ANO3 protein (p.Ile698Val). This variant is not present in population databases (gnomAD no frequency). This variant has not been reported in the literature in individuals affected with ANO3-related conditions. ClinVar contains an entry for this variant (Variation ID: 1489116). Advanced modeling of protein sequence and biophysical properties (such as structural, functional, and spatial information, amino acid conservation, physicochemical variation, residue mobility, and thermodynamic stability) performed at Invitae indicates that this missense variant is not expected to disrupt ANO3 protein function. In summary, the available evidence is currently insufficient to determine the role of this variant in disease. Therefore, it has been classified as a Variant of Uncertain Significance.

NM_031418.4(ANO3):c.2092A>G (p.Ile698Val)

Gene: ANO3 (anoctamin 3; plus strand). Cytogenetic location: 11p14.2.
Variant type: single nucleotide variant.
Coding change: c.2092A>G on transcript NM_031418.4 (MANE Select); coding-DNA position 2092, A replaced by G.
Protein change: p.Ile698Val; replaces isoleucine 698 with valine.
Molecular consequence: missense variant.
Genome position (GRCh38, 1-based): chr11:26,639,192, A>G. VCF-style: chr11-26639192-A-G. GRCh37 (hg19) VCF-style: chr11-26660739-A-G.
Other names: c.2275A>G, p.Ile759Val (NM_001313726.2); c.1654A>G, p.Ile552Val (NM_001313727.2); short protein forms I698V, I552V, I759V.
Identifiers: ClinVar variation 1489116 (VCV001489116.8), dbSNP rs2133053171, ClinGen allele CA379935930.